The following is an entry in ClinVar:

ClinVar aggregate classification (germline): Benign/Likely benign. Review status: criteria provided, multiple submitters, no conflicts (2 of 4 stars). 4 submissions from 4 submitters: Benign (2); Likely benign (2). Last evaluated 2026-01-06.

Allele frequency attached by ClinVar (database versions not stated): gnomAD exomes 0.00248; ExAC 0.00296; 1000 Genomes Project 30x 0.00812; 1000 Genomes Project 0.00839; gnomAD 0.00962 and 0.01029; TOPMed 0.01073; ESP Exome Variant Server 0.01084.
gnomAD v4.1: 3,127 of 1,613,952 alleles (0.19%); highest among the groups gnomAD compares: African/African-American, 3.5%; 58 homozygotes.

Submissions (4):

Labcorp Genetics (formerly Invitae), Labcorp
Classification: Benign. Last evaluated: 2026-01-06. Review status: criteria provided, single submitter. Criteria: Invitae Variant Classification Sherloc (09022015). Collection method: clinical testing. Allele origin: germline.

Mayo Clinic Laboratories, Mayo Clinic
Classification: Benign. Last evaluated: 2023-04-04. Review status: criteria provided, single submitter. Criteria: ACMG Guidelines, 2015. Collection method: clinical testing. Allele origin: germline. Observed: 3 variant alleles.
Comment: BS1, BS2, BP4, BP7

GeneDx
Classification: Likely benign. Last evaluated: 2020-03-25. Review status: criteria provided, single submitter. Criteria: GeneDx Variant Classification Process June 2021. Collection method: clinical testing. Allele origin: germline. Affected: yes.

Breakthrough Genomics
Classification: Likely benign. Review status: criteria provided, single submitter. Criteria: ACMG Guidelines, 2015. Collection method: not provided. Allele origin: germline. Inheritance: Unknown mechanism. Affected: yes.

NM_005245.4(FAT1):c.12498G>A (p.Ala4166=)

Gene: FAT1 (FAT atypical cadherin 1; minus strand). Cytogenetic location: 4q35.2.
Variant type: single nucleotide variant.
Coding change: c.12498G>A on transcript NM_005245.4 (MANE Select); coding-DNA position 12498, G replaced by A.
Protein change: p.Ala4166=; no amino-acid change (alanine 4166 retained).
Molecular consequence: synonymous variant.
Genome position (GRCh38, 1-based): chr4:186,597,042, C>T on the plus strand (G>A on the coding strand, the complement: FAT1 is on the minus strand). VCF-style: chr4-186597042-C-T. GRCh37 (hg19) VCF-style: chr4-187518196-C-T.
Other names: p.Ala4166=.
Identifiers: ClinVar variation 783388 (VCV000783388.13), dbSNP rs60404529, ClinGen allele CA3164799.